The following is an entry in ClinVar:

ClinVar aggregate classification (germline): Uncertain significance (1 of 4 stars; one submission).

Conditions:
Inborn genetic diseases. Identifiers: MedGen C0950123, MeSH D030342.

Allele frequency attached by ClinVar (database versions not stated): gnomAD exomes below 0.00001.
gnomAD v4.1: 7 of 1,614,158 alleles (0.00043%); highest among the groups gnomAD compares: Non-Finnish European, 0.00059%; no homozygotes.

Submission:

Ambry Genetics
Classification: Uncertain significance for Inborn genetic diseases. Last evaluated: 2019-08-19. Review status: criteria provided, single submitter. Criteria: Ambry Variant Classification Scheme 2023. Collection method: clinical testing. Allele origin: germline.
Comment: The p.D694Y variant (also known as c.2080G>T), located in coding exon 6 of the LINS gene, results from a G to T substitution at nucleotide position 2080. The aspartic acid at codon 694 is replaced by tyrosine, an amino acid with highly dissimilar properties. This amino acid position is not well conserved in available vertebrate species, and tyrosine is the reference amino acid in other vertebrate species. In addition, this alteration is predicted to be tolerated by in silico analysis. Since supporting evidence is limited at this time, the clinical significance of this alteration remains unclear.

NM_001040616.3(LINS1):c.2080G>T (p.Asp694Tyr)

Gene: LINS1 (lines homolog 1; minus strand). Cytogenetic location: 15q26.3.
Variant type: single nucleotide variant.
Coding change: c.2080G>T on transcript NM_001040616.3 (MANE Select); coding-DNA position 2080, G replaced by T.
Protein change: p.Asp694Tyr; replaces aspartic acid 694 with tyrosine.
Molecular consequence: missense variant. On other transcripts: non-coding transcript variant (3).
Genome position (GRCh38, 1-based): chr15:100,569,432, C>A on the plus strand (G>T on the coding strand, the complement: LINS1 is on the minus strand). VCF-style: chr15-100569432-C-A. GRCh37 (hg19) VCF-style: chr15-101109637-C-A.
Other names: c.1333G>T, p.Asp445Tyr (NM_001352507.2); c.1927G>T, p.Asp643Tyr (NM_001352508.2); short protein forms D445Y, D643Y, D694Y.
Identifiers: ClinVar variation 1799599 (VCV001799599.2), dbSNP rs2549194009, ClinGen allele CA393945085.